The following is an entry in ClinVar:

NM_001042492.3(NF1):c.5842T>C (p.Tyr1948His)

Gene: NF1 (neurofibromin 1; plus strand). Cytogenetic location: 17q11.2.
Variant type: single nucleotide variant.
Coding change: c.5842T>C on transcript NM_001042492.3 (MANE Select); coding-DNA position 5842, T replaced by C.
Protein change: p.Tyr1948His; replaces tyrosine 1948 with histidine.
Molecular consequence: missense variant.
Genome position (GRCh38, 1-based): chr17:31,334,867, T>C. VCF-style: chr17-31334867-T-C. GRCh37 (hg19) VCF-style: chr17-29661885-T-C.
Other names: c.5779T>C, p.Tyr1927His (NM_000267.4); short protein forms Y1927H, Y1948H.
Identifiers: ClinVar variation 663229 (VCV000663229.7), dbSNP rs1057520575, ClinGen allele CA399010617.

ClinVar aggregate classification (germline): Uncertain significance (1 of 4 stars; one submission).

Conditions:
Neurofibromatosis, type 1 (NF1). Also called: VON RECKLINGHAUSEN DISEASE; NEUROFIBROMATOSIS, TYPE I, SOMATIC; Peripheral type neurofibromatosis; Neurofibromatosis, type I. Identifiers: Orphanet 636, MedGen C0027831, MONDO:0018975, OMIM 162200. Disease mechanism: loss of function.

Submission:

Labcorp Genetics (formerly Invitae), Labcorp
Classification: Uncertain significance for Neurofibromatosis, type 1. Last evaluated: 2019-06-28. Review status: criteria provided, single submitter. Criteria: Invitae Variant Classification Sherloc (09022015). Collection method: clinical testing. Allele origin: germline.
Comment: This sequence change replaces tyrosine with histidine at codon 1927 of the NF1 protein (p.Tyr1927His). The tyrosine residue is moderately conserved and there is a moderate physicochemical difference between tyrosine and histidine. This variant is not present in population databases (ExAC no frequency). This variant has not been reported in the literature in individuals with NF1-related disease. Algorithms developed to predict the effect of missense changes on protein structure and function are either unavailable or do not agree on the potential impact of this missense change (SIFT: "Tolerated"; PolyPhen-2: "Probably Damaging"; Align-GVGD: "Class C0"). In summary, the available evidence is currently insufficient to determine the role of this variant in disease. Therefore, it has been classified as a Variant of Uncertain Significance.